The following is an entry in ClinVar:

NM_005477.3(HCN4):c.991C>A (p.Gln331Lys)

Genes: HCN4 (hyperpolarization activated cyclic nucleotide gated potassium channel 4; minus strand), LOC105370890 (uncharacterized LOC105370890; plus strand), LOC126862173 (CDK7 strongly-dependent group 2 enhancer GRCh37_chr15:73635762-73636961; plus strand). Cytogenetic location: 15q24.1.
Variant type: single nucleotide variant.
Coding change: c.991C>A on transcript NM_005477.3 (MANE Select); coding-DNA position 991, C replaced by A.
Protein change: p.Gln331Lys; replaces glutamine 331 with lysine.
Molecular consequence: missense variant.
Genome position (GRCh38, 1-based): chr15:73,343,603, G>T on the plus strand (C>A on the coding strand, the complement: HCN4 is on the minus strand). VCF-style: chr15-73343603-G-T. GRCh37 (hg19) VCF-style: chr15-73635944-G-T.
Other names: short protein forms Q331K.
Identifiers: ClinVar variation 2876414 (VCV002876414.3), dbSNP rs755613616, ClinGen allele CA7649386.

ClinVar aggregate classification (germline): Uncertain significance (1 of 4 stars; one submission).

Conditions:
Brugada syndrome 8 (BRGDA8). Identifiers: Orphanet 130, MedGen C2751083, MONDO:0013148, OMIM 613123.

Allele frequency attached by ClinVar (database versions not stated): gnomAD exomes below 0.00001; ExAC 0.00001; TOPMed 0.00002.

Submission:

Labcorp Genetics (formerly Invitae), Labcorp
Classification: Uncertain significance for Brugada syndrome 8. Last evaluated: 2025-02-06. Review status: criteria provided, single submitter. Criteria: Invitae Variant Classification Sherloc (09022015). Collection method: clinical testing. Allele origin: germline.
Comment: This sequence change replaces glutamine, which is neutral and polar, with lysine, which is basic and polar, at codon 331 of the HCN4 protein (p.Gln331Lys). This variant is present in population databases (rs755613616, gnomAD 0.01%). This variant has not been reported in the literature in individuals affected with HCN4-related conditions. ClinVar contains an entry for this variant (Variation ID: 2876414). Invitae Evidence Modeling of protein sequence and biophysical properties (such as structural, functional, and spatial information, amino acid conservation, physicochemical variation, residue mobility, and thermodynamic stability) indicates that this missense variant is not expected to disrupt HCN4 protein function with a negative predictive value of 95%. In summary, the available evidence is currently insufficient to determine the role of this variant in disease. Therefore, it has been classified as a Variant of Uncertain Significance.